The following is an entry in ClinVar:

ClinVar aggregate classification (germline): Uncertain significance (1 of 4 stars; one submission).

Conditions:
NEK9-related disorder. Also called: NEK9-related condition.

gnomAD v4.1: 2 of 1,613,984 alleles (0.00012%); highest among the groups gnomAD compares: East Asian, 0.0022%; no homozygotes.

Submission:

PreventionGenetics, part of Exact Sciences
Classification: Uncertain significance for NEK9-related condition. Last evaluated: 2026-02-19. Review status: criteria provided, single submitter. Criteria: ACMG Guidelines, 2015. Collection method: clinical testing. Allele origin: germline.
Comment: The NEK9 c.2834A>G variant is predicted to result in the amino acid substitution p.Lys945Arg. To our knowledge, this variant has not been reported in the literature or in a large population database (gnomAD), indicating this variant is rare. At this time, the clinical significance of this variant is uncertain due to the absence of conclusive functional and genetic evidence.

NM_033116.6(NEK9):c.2834A>G (p.Lys945Arg)

Gene: NEK9 (NIMA related kinase 9; minus strand). Cytogenetic location: 14q24.3.
Variant type: single nucleotide variant.
Coding change: c.2834A>G on transcript NM_033116.6 (MANE Select); coding-DNA position 2834, A replaced by G.
Protein change: p.Lys945Arg; replaces lysine 945 with arginine.
Molecular consequence: missense variant.
Genome position (GRCh38, 1-based): chr14:75,084,670, T>C on the plus strand (A>G on the coding strand, the complement: NEK9 is on the minus strand). VCF-style: chr14-75084670-T-C. GRCh37 (hg19) VCF-style: chr14-75551373-T-C.
Other names: c.2870A>G, p.Lys957Arg (NM_001329237.2); c.2480A>G, p.Lys827Arg (NM_001329238.2); short protein forms K827R, K945R, K957R.
Identifiers: ClinVar variation 4977052 (VCV004977052.1).